The following is an entry in ClinVar:

ClinVar aggregate classification (germline): Uncertain significance (1 of 4 stars; one submission).

Allele frequency attached by ClinVar (database versions not stated): gnomAD exomes below 0.00001; TOPMed 0.00001.
gnomAD v4.1: 2 of 1,613,688 alleles (0.00012%); highest among the groups gnomAD compares: African/African-American, 0.0013%; no homozygotes.

Submission:

Labcorp Genetics (formerly Invitae), Labcorp
Classification: Uncertain significance. Last evaluated: 2022-10-25. Review status: criteria provided, single submitter. Criteria: Invitae Variant Classification Sherloc (09022015). Collection method: clinical testing. Allele origin: germline.
Comment: This sequence change replaces valine, which is neutral and non-polar, with alanine, which is neutral and non-polar, at codon 1411 of the SETBP1 protein (p.Val1411Ala). This variant is not present in population databases (gnomAD no frequency). This variant has not been reported in the literature in individuals affected with SETBP1-related conditions. Advanced modeling of protein sequence and biophysical properties (such as structural, functional, and spatial information, amino acid conservation, physicochemical variation, residue mobility, and thermodynamic stability) performed at Invitae indicates that this missense variant is not expected to disrupt SETBP1 protein function. In summary, the available evidence is currently insufficient to determine the role of this variant in disease. Therefore, it has been classified as a Variant of Uncertain Significance.

NM_015559.3(SETBP1):c.4232T>C (p.Val1411Ala)

Gene: SETBP1 (SET binding protein 1; plus strand). Cytogenetic location: 18q12.3.
Variant type: single nucleotide variant.
Coding change: c.4232T>C on transcript NM_015559.3 (MANE Select); coding-DNA position 4232, T replaced by C.
Protein change: p.Val1411Ala; replaces valine 1411 with alanine.
Molecular consequence: missense variant.
Genome position (GRCh38, 1-based): chr18:45,063,139, T>C. VCF-style: chr18-45063139-T-C. GRCh37 (hg19) VCF-style: chr18-42643104-T-C.
Other names: c.4232T>C, p.Val1411Ala (NM_001379141.1, NM_001379142.1); c.4061T>C, p.Val1354Ala (NM_001410862.1); short protein forms V1411A, V1354A.
Identifiers: ClinVar variation 2106437 (VCV002106437.4), dbSNP rs2073914885, ClinGen allele CA402482942.